The following is an entry in ClinVar:

ClinVar aggregate classification (germline): Uncertain significance. Review status: criteria provided, multiple submitters, no conflicts (2 of 4 stars). 2 submissions from 2 submitters: Uncertain significance (2). Last evaluated 2024-01-02.

Conditions:
Propionic acidemia (PROP). Also called: GLYCINEMIA, KETOTIC; HYPERGLYCINEMIA WITH KETOACIDOSIS AND LEUKOPENIA; KETOTIC HYPERGLYCINEMIA. Identifiers: Orphanet 35, MedGen C0268579, MONDO:0011628, OMIM 606054, HP:0003571.

Allele frequency attached by ClinVar (database versions not stated): ExAC 0.00001.
gnomAD v4.1: 45 of 1,611,538 alleles (0.0028%); highest among the groups gnomAD compares: Non-Finnish European, 0.0036%; no homozygotes.

Submissions (2):

Fulgent Genetics
Classification: Uncertain significance for Propionic acidemia. Last evaluated: 2024-01-02. Review status: criteria provided, single submitter. Criteria: ACMG Guidelines, 2015. Collection method: clinical testing. Allele origin: germline.

Labcorp Genetics (formerly Invitae), Labcorp
Classification: Uncertain significance for Propionic acidemia. Last evaluated: 2022-05-25. Review status: criteria provided, single submitter. Criteria: Invitae Variant Classification Sherloc (09022015). Collection method: clinical testing. Allele origin: germline.
Comment: This sequence change replaces histidine, which is basic and polar, with arginine, which is basic and polar, at codon 566 of the PCCA protein (p.His566Arg). This variant is present in population databases (rs750322137, gnomAD 0.002%). This variant has not been reported in the literature in individuals affected with PCCA-related conditions. Advanced modeling of protein sequence and biophysical properties (such as structural, functional, and spatial information, amino acid conservation, physicochemical variation, residue mobility, and thermodynamic stability) performed at Invitae indicates that this missense variant is not expected to disrupt PCCA protein function. In summary, the available evidence is currently insufficient to determine the role of this variant in disease. Therefore, it has been classified as a Variant of Uncertain Significance.

NM_000282.4(PCCA):c.1697A>G (p.His566Arg)

Gene: PCCA (propionyl-CoA carboxylase subunit alpha; plus strand). Cytogenetic location: 13q32.3.
Variant type: single nucleotide variant.
Coding change: c.1697A>G on transcript NM_000282.4 (MANE Select); coding-DNA position 1697, A replaced by G.
Protein change: p.His566Arg; replaces histidine 566 with arginine.
Molecular consequence: missense variant. On other transcripts: non-coding transcript variant (2).
Genome position (GRCh38, 1-based): chr13:100,368,525, A>G. VCF-style: chr13-100368525-A-G. GRCh37 (hg19) VCF-style: chr13-101020779-A-G.
Other names: c.1619A>G, p.His540Arg (NM_001127692.3, NM_001352607.2); c.1697A>G, p.His566Arg (NM_001178004.2, NM_001352605.2, NM_001352609.2); c.1553A>G, p.His518Arg (NM_001352606.2); c.1475A>G, p.His492Arg (NM_001352608.2); c.752A>G, p.His251Arg (NM_001352610.2, NM_001352611.2); c.608A>G, p.His203Arg (NM_001352612.2); short protein forms H251R, H492R, H518R, H540R, H566R, H203R.
Identifiers: ClinVar variation 2143441 (VCV002143441.2), dbSNP rs750322137, ClinGen allele CA7033747.
Genomic context (GRCh38, chr13:100,368,525, plus strand): 5'-ACTTCAGAATGCCTGTTATTAAACCAGACATAGCCAACTGGGAGCTCTCAGTAAAATTGC[A>G]TGATAAAGTTCATACCGTAGTAGCATCAAACAATGGGTCAGTGTTCTCGGTGAGTTTTCT-3'
Protein context (NP_000273.2, residues 556-576): IANWELSVKL[His566Arg]DKVHTVVASN